The following is an entry in ClinVar:

ClinVar aggregate classification (germline): Uncertain significance. Review status: criteria provided, multiple submitters, no conflicts (2 of 4 stars). 2 submissions from 2 submitters: Uncertain significance (2). Last evaluated 2025-05-04.

Conditions:
Inborn genetic diseases. Identifiers: MedGen C0950123, MeSH D030342.

Allele frequency attached by ClinVar (database versions not stated): gnomAD exomes below 0.00001 and 0.00001; gnomAD 0.00001; TOPMed 0.00002.
gnomAD v4.1: 18 of 1,613,232 alleles (0.0011%); highest among the groups gnomAD compares: Non-Finnish European, 0.0014%; no homozygotes.

Submissions (2):

Ambry Genetics
Classification: Uncertain significance for Inborn genetic diseases. Last evaluated: 2025-05-04. Review status: criteria provided, single submitter. Criteria: Ambry Variant Classification Scheme 2023. Collection method: clinical testing. Allele origin: germline.

Labcorp Genetics (formerly Invitae), Labcorp
Classification: Uncertain significance. Last evaluated: 2021-08-19. Review status: criteria provided, single submitter. Criteria: Invitae Variant Classification Sherloc (09022015). Collection method: clinical testing. Allele origin: germline.
Comment: In summary, the available evidence is currently insufficient to determine the role of this variant in disease. Therefore, it has been classified as a Variant of Uncertain Significance. Algorithms developed to predict the effect of missense changes on protein structure and function are either unavailable or do not agree on the potential impact of this missense change (SIFT: "Deleterious"; PolyPhen-2: "Not Available"; Align-GVGD: "Class C0"). This variant has not been reported in the literature in individuals affected with MMP14-related conditions. This variant is not present in population databases (ExAC no frequency). This sequence change replaces serine with cysteine at codon 31 of the MMP14 protein (p.Ser31Cys). The serine residue is moderately conserved and there is a moderate physicochemical difference between serine and cysteine.

NM_004995.4(MMP14):c.91A>T (p.Ser31Cys)

Gene: MMP14 (matrix metallopeptidase 14; plus strand). Cytogenetic location: 14q11.2.
Variant type: single nucleotide variant.
Coding change: c.91A>T on transcript NM_004995.4 (MANE Select); coding-DNA position 91, A replaced by T.
Protein change: p.Ser31Cys; replaces serine 31 with cysteine.
Molecular consequence: missense variant.
Genome position (GRCh38, 1-based): chr14:22,836,908, A>T. VCF-style: chr14-22836908-A-T. GRCh37 (hg19) VCF-style: chr14-23306117-A-T.
Other names: c.91A>T (NM_004995.2); short protein forms S31C.
Identifiers: ClinVar variation 1470764 (VCV001470764.7), dbSNP rs982803572, ClinGen allele CA257740574.